The following is an entry in ClinVar:

NM_006648.4(WNK2):c.146C>G (p.Ser49Trp)

Gene: WNK2 (WNK lysine deficient protein kinase 2; plus strand). Cytogenetic location: 9q22.31.
Variant type: single nucleotide variant.
Coding change: c.146C>G on transcript NM_006648.4 (MANE Select); coding-DNA position 146, C replaced by G.
Protein change: p.Ser49Trp; replaces serine 49 with tryptophan.
Molecular consequence: missense variant.
Genome position (GRCh38, 1-based): chr9:93,185,075, C>G. VCF-style: chr9-93185075-C-G. GRCh37 (hg19) VCF-style: chr9-95947357-C-G.
Other names: c.146C>G, p.Ser49Trp (NM_001282394.3); short protein forms S49W.
Identifiers: ClinVar variation 4605172 (VCV004605172.1).

ClinVar aggregate classification (germline): Uncertain significance (1 of 4 stars; one submission).

Submission:

Ambry Genetics
Classification: Uncertain significance. Last evaluated: 2025-09-19. Review status: criteria provided, single submitter. Criteria: Ambry Variant Classification Scheme 2023. Collection method: clinical testing. Allele origin: germline.
Comment: The p.S49W variant (also known as c.146C>G), located in coding exon 1 of the WNK2 gene, results from a C to G substitution at nucleotide position 146. The serine at codon 49 is replaced by tryptophan, an amino acid with highly dissimilar properties. This amino acid position is conserved. In addition, this alteration is predicted to be tolerated by in silico analysis. Based on the available evidence, the clinical significance of this variant remains unclear.